The following is an entry in ClinVar:

ClinVar aggregate classification (germline): Uncertain significance (1 of 4 stars; one submission).

Conditions:
Bailey-Bloch congenital myopathy (CMYO13). Also called: Native American myopathy; Congenital myopathy 13; STAC3 disorder. Identifiers: Orphanet 168572, MedGen C1850625, MONDO:0009722, OMIM 255995.

Allele frequency attached by ClinVar (database versions not stated): gnomAD below 0.00001 and 0.00004; TOPMed 0.00001; gnomAD exomes 0.00004; ExAC 0.00005.
gnomAD v4.1: 51 of 1,614,012 alleles (0.0032%); highest among the groups gnomAD compares: South Asian, 0.036%; no homozygotes.

Submission:

Labcorp Genetics (formerly Invitae), Labcorp
Classification: Uncertain significance for Bailey-Bloch congenital myopathy. Last evaluated: 2022-07-19. Review status: criteria provided, single submitter. Criteria: Invitae Variant Classification Sherloc (09022015). Collection method: clinical testing. Allele origin: germline.
Comment: This sequence change replaces isoleucine, which is neutral and non-polar, with methionine, which is neutral and non-polar, at codon 326 of the STAC3 protein (p.Ile326Met). This variant is present in population databases (rs754455763, gnomAD 0.02%). This variant has not been reported in the literature in individuals affected with STAC3-related conditions. ClinVar contains an entry for this variant (Variation ID: 851882). Algorithms developed to predict the effect of missense changes on protein structure and function are either unavailable or do not agree on the potential impact of this missense change (SIFT: "Deleterious"; PolyPhen-2: "Probably Damaging"; Align-GVGD: "Class C0"). In summary, the available evidence is currently insufficient to determine the role of this variant in disease. Therefore, it has been classified as a Variant of Uncertain Significance.

NM_145064.3(STAC3):c.978C>G (p.Ile326Met)

Gene: STAC3 (SH3 and cysteine rich domain 3; minus strand). Cytogenetic location: 12q13.3.
Variant type: single nucleotide variant.
Coding change: c.978C>G on transcript NM_145064.3 (MANE Select); coding-DNA position 978, C replaced by G.
Protein change: p.Ile326Met; replaces isoleucine 326 with methionine.
Molecular consequence: missense variant. On other transcripts: non-coding transcript variant (1).
Genome position (GRCh38, 1-based): chr12:57,244,106, G>C on the plus strand (C>G on the coding strand, the complement: STAC3 is on the minus strand). VCF-style: chr12-57244106-G-C. GRCh37 (hg19) VCF-style: chr12-57637889-G-C.
Other names: c.861C>G, p.Ile287Met (NM_001286256.2); c.420C>G, p.Ile140Met (NM_001286257.2); short protein forms I140M, I287M, I326M.
Identifiers: ClinVar variation 851882 (VCV000851882.7), dbSNP rs754455763, ClinGen allele CA6646948.